The following is an entry in ClinVar:

ClinVar aggregate classification (germline): Uncertain significance (1 of 4 stars; one submission).

Submission:

GeneDx
Classification: Uncertain significance. Last evaluated: 2024-09-30. Review status: criteria provided, single submitter. Criteria: GeneDx Variant Classification Process June 2021. Collection method: clinical testing. Allele origin: germline. Affected: yes.
Comment: Not observed at significant frequency in large population cohorts (gnomAD); In silico analysis indicates that this missense variant does not alter protein structure/function; Has not been previously published as pathogenic or benign to our knowledge

NM_006268.5(DPF2):c.709G>A (p.Glu237Lys)

Gene: DPF2 (double PHD fingers 2; plus strand). Cytogenetic location: 11q13.1.
Variant type: single nucleotide variant.
Coding change: c.709G>A on transcript NM_006268.5 (MANE Select); coding-DNA position 709, G replaced by A.
Protein change: p.Glu237Lys; replaces glutamic acid 237 with lysine.
Molecular consequence: missense variant.
Genome position (GRCh38, 1-based): chr11:65,345,737, G>A. VCF-style: chr11-65345737-G-A. GRCh37 (hg19) VCF-style: chr11-65113208-G-A.
Other names: c.751G>A, p.Glu251Lys (NM_001330308.2); short protein forms E237K, E251K.
Identifiers: ClinVar variation 3774895 (VCV003774895.1).
Genomic context (GRCh38, chr11:65,345,737, plus strand): 5'-CGTTACAAGAACCGACCAGGCCTCAGTTACCACTATGCCCACTCCCACTTGGCTGAGGAG[G>A]AGGGCGAGGACAAGGAAGACTCTCAACCACCCACTCCTGTTTCCCAGAGGTCTGAGGAGC-3'
Protein context (NP_006259.1, residues 227-247): HYAHSHLAEE[Glu237Lys]GEDKEDSQPP